The following is an entry in ClinVar:

NM_000426.4(LAMA2):c.266_281del (p.Asn89fs)

Gene: LAMA2 (laminin subunit alpha 2; plus strand). Cytogenetic location: 6q22.33.
Variant type: Deletion.
Coding change: c.266_281del on transcript NM_000426.4 (MANE Select); coding-DNA positions 266 to 281, 16 bases deleted (ACAGCAGCAATCCAAA).
Protein change: p.Asn89fs; shifts the reading frame from asparagine 89.
Molecular consequence: frameshift variant.
Genome position (GRCh38, 1-based): chr6:129,050,071-129,050,086, ACAGCAGCAATCCAAA deleted; deleting any 16 consecutive bases within chr6:129,050,067-129,050,086 gives the same sequence; the c. name uses the placement nearest the transcript's 3' end. VCF-style (leftmost placement, unchanged base first): chr6-129050066-TCAAAACAGCAGCAATC-T. GRCh37 (hg19) VCF-style: chr6-129371211-TCAAAACAGCAGCAATC-T.
Other names: c.266_281del, p.Asn89fs (NM_001079823.2); short protein forms N89fs.
Identifiers: ClinVar variation 5016180 (VCV005016180.1).

ClinVar aggregate classification (germline): Pathogenic (1 of 4 stars; one submission).

Conditions:
LAMA2-related muscular dystrophy (LAMA2-RD). Also called: Laminin alpha 2-related dystrophy. Identifiers: MedGen C5679788, MONDO:0100228.

Submission:

Myriad Genetics, Inc.
Classification: Pathogenic for LAMA2-related muscular dystrophy. Last evaluated: 2026-07-29. Review status: criteria provided, single submitter. Criteria: Myriad Autosomal Dominant, Autosomal Recessive and X-Linked Classification Criteria (2023). Collection method: clinical testing. Allele origin: unknown.
Comment: NM_000426.3(LAMA2):c.266_281del16(N89Tfs*31) is expected to be pathogenic in the context of muscular dystrophy, LAMA2-related. This variant is predicted to lead to an abnormal or absent protein product due to the creation of a premature termination codon in LAMA2, a gene where loss-of-function variants are known to be pathogenic. Please note: this variant was assessed in the context of healthy population screening.